The following is an entry in ClinVar:

NM_000944.5(PPP3CA):c.1435A>G (p.Ile479Val)

Gene: PPP3CA (protein phosphatase 3 catalytic subunit alpha; minus strand). Cytogenetic location: 4q24.
Variant type: single nucleotide variant.
Coding change: c.1435A>G on transcript NM_000944.5 (MANE Select); coding-DNA position 1435, A replaced by G.
Protein change: p.Ile479Val; replaces isoleucine 479 with valine.
Molecular consequence: missense variant.
Genome position (GRCh38, 1-based): chr4:101,025,996, T>C on the plus strand (A>G on the coding strand, the complement: PPP3CA is on the minus strand). VCF-style: chr4-101025996-T-C. GRCh37 (hg19) VCF-style: chr4-101947153-T-C.
Other names: c.1405A>G, p.Ile469Val (NM_001130691.2); c.1279A>G, p.Ile427Val (NM_001130692.2); short protein forms I427V, I469V, I479V.
Identifiers: ClinVar variation 5010028 (VCV005010028.1).

ClinVar aggregate classification (germline): Uncertain significance (1 of 4 stars; one submission).

Submission:

GeneDx
Classification: Uncertain significance. Last evaluated: 2026-02-23. Review status: criteria provided, single submitter. Criteria: GeneDx Variant Classification Process June 2021. Collection method: clinical testing. Allele origin: germline.
Comment: Not observed at significant frequency in large population cohorts (gnomAD); In silico analysis suggests that this missense variant does not alter protein structure/function; Has not been previously published as pathogenic or benign to our knowledge